The following is an entry in ClinVar:

ClinVar aggregate classification (germline): Uncertain significance (1 of 4 stars; one submission).

Conditions:
Hereditary cancer-predisposing syndrome. Also called: Hereditary Cancer Syndrome; Hereditary neoplastic syndrome; Neoplastic Syndromes, Hereditary; Tumor predisposition. Identifiers: Orphanet 140162, MedGen C0027672, MeSH D009386, MONDO:0015356.

Submission:

Ambry Genetics
Classification: Uncertain significance for Hereditary cancer-predisposing syndrome. Last evaluated: 2023-09-01. Review status: criteria provided, single submitter. Criteria: Ambry Variant Classification Scheme 2023. Collection method: clinical testing. Allele origin: germline.
Comment: The p.L2173P variant (also known as c.6518T>C), located in coding exon 44 of the ATM gene, results from a T to C substitution at nucleotide position 6518. The leucine at codon 2173 is replaced by proline, an amino acid with similar properties. This amino acid position is conserved. In addition, this alteration is predicted to be deleterious by in silico analysis. Since supporting evidence is limited at this time, the clinical significance of this alteration remains unclear.

NM_000051.4(ATM):c.6518T>C (p.Leu2173Pro)

Genes: ATM (ATM serine/threonine kinase; plus strand), C11orf65 (chromosome 11 open reading frame 65; minus strand). Cytogenetic location: 11q22.3.
Variant type: single nucleotide variant.
Coding change: c.6518T>C on transcript NM_000051.4 (MANE Select); coding-DNA position 6518, T replaced by C.
Protein change: p.Leu2173Pro; replaces leucine 2173 with proline.
Molecular consequence: missense variant. On other transcripts: intron variant (2).
Genome position (GRCh38, 1-based): chr11:108,321,366, T>C. VCF-style: chr11-108321366-T-C. GRCh37 (hg19) VCF-style: chr11-108192093-T-C.
Other names: c.6518T>C, p.Leu2173Pro (NM_001351834.2); c.641-12295A>G (NM_001330368.2); c.*39-12295A>G (NM_001351110.2); short protein forms L2173P.
Identifiers: ClinVar variation 2587816 (VCV002587816.2), dbSNP rs1173542225, ClinGen allele CA382554160.
Genomic context (GRCh38, chr11:108,321,366, plus strand): 5'-AAGAAGTGGAAGAGATGTGTAAGCGCAGCCTTGAGTCTGTGTATTCGCTCTATCCCACAC[T>C]TAGCAGGTTGCAGGCCATTGGAGAGCTGGAAAGCATTGGGGAGCTTTTCTCAAGGTATGT-3'
Protein context (NP_000042.3, residues 2163-2183): LESVYSLYPT[Leu2173Pro]SRLQAIGELE